The following is an entry in ClinVar:

ClinVar aggregate classification (germline): Pathogenic (1 of 4 stars; one submission).

Conditions:
Primary ciliary dyskinesia. Also called: Ciliary dyskinesia. Identifiers: Orphanet 244, MedGen C0008780, MONDO:0016575, HP:0012265.

Submission:

Labcorp Genetics (formerly Invitae), Labcorp
Classification: Pathogenic for Primary ciliary dyskinesia. Last evaluated: 2018-03-12. Review status: criteria provided, single submitter. Criteria: Invitae Variant Classification Sherloc (09022015). Collection method: clinical testing. Allele origin: germline.
Comment: This variant has not been reported in the literature in individuals with DNAH5-related disease. Algorithms developed to predict the effect of sequence changes on RNA splicing suggest that this variant may disrupt the consensus splice site, but this prediction has not been confirmed by published transcriptional studies. Donor and acceptor splice site variants typically lead to a loss of protein function (PMID: 16199547), and loss-of-function variants in DNAH5 are known to be pathogenic (PMID: 11788826, 16627867). For these reasons, this variant has been classified as Pathogenic. This variant is not present in population databases (ExAC no frequency). This sequence change removes the last 10 nucleotides of exon 15, and affects a donor splice site in intron 15 of the DNAH5 gene. It is expected to disrupt RNA splicing and/or create a premature translational stop signal, and likely results in an absent or disrupted protein product

Literature cited by the submitters: PubMed 16199547; PubMed 11788826; PubMed 16627867.

NM_001369.3(DNAH5):c.2250_2259+674del

Genes: DNAH5 (dynein axonemal heavy chain 5; minus strand), DNAH5-AS1 (DNAH5 antisense RNA 1; plus strand). Cytogenetic location: 5p15.2.
Variant type: Deletion.
Coding change: c.2250_2259+674del on transcript NM_001369.3 (MANE Select); coding-DNA position 2250 through 674 bases into the intron after coding-DNA position 2259, 684 bases deleted.
Molecular consequence: splice donor variant.
Genome position (GRCh38, 1-based): chr5:13,899,532-13,900,215, 684 bases deleted. GRCh37 (hg19): chr5:13,899,641-13,900,324.
Identifiers: ClinVar variation 568016 (VCV000568016.9), dbSNP rs1561532139, ClinGen allele CA891843238.